The following is an entry in ClinVar:

NM_018975.4(TERF2IP):c.454G>A (p.Ala152Thr)

Gene: TERF2IP (TERF2 interacting protein; plus strand). Cytogenetic location: 16q23.1.
Variant type: single nucleotide variant.
Coding change: c.454G>A on transcript NM_018975.4 (MANE Select); coding-DNA position 454, G replaced by A.
Protein change: p.Ala152Thr; replaces alanine 152 with threonine.
Molecular consequence: missense variant. On other transcripts: non-coding transcript variant (1).
Genome position (GRCh38, 1-based): chr16:75,648,336, G>A. VCF-style: chr16-75648336-G-A. GRCh37 (hg19) VCF-style: chr16-75682234-G-A.
Other names: short protein forms A152T.
Identifiers: ClinVar variation 1741427 (VCV001741427.2), dbSNP rs2507074286, ClinGen allele CA396817939.
Genomic context (GRCh38, chr16:75,648,336, plus strand): 5'-GGGCGGATCGCCTTCACGGATGCGGACGACGTAGCCATCCTTACCTACGTGAAGGAAAAT[G>A]CCCGCTCGCCCAGCTCCGTCACCGGTAACGCCTTGTGGAAAGCGATGGAGAAGAGCTCGC-3'
Protein context (NP_061848.2, residues 142-162): VAILTYVKEN[Ala152Thr]RSPSSVTGNA

ClinVar aggregate classification (germline): Uncertain significance (1 of 4 stars; one submission).

Submission:

Ambry Genetics
Classification: Uncertain significance. Last evaluated: 2021-07-29. Review status: criteria provided, single submitter. Criteria: Ambry Variant Classification Scheme 2023. Collection method: clinical testing. Allele origin: germline.
Comment: The p.A152T variant (also known as c.454G>A), located in coding exon 1 of the TERF2IP gene, results from a G to A substitution at nucleotide position 454. The alanine at codon 152 is replaced by threonine, an amino acid with similar properties. This amino acid position is conserved. In addition, this alteration is predicted to be tolerated by in silico analysis. Since supporting evidence is limited at this time, the clinical significance of this alteration remains unclear.